The following is an entry in ClinVar:

ClinVar aggregate classification (germline): Benign/Likely benign. Review status: criteria provided, multiple submitters, no conflicts (2 of 4 stars). 2 submissions from 2 submitters: Benign (1); Likely benign (1). Last evaluated 2024-04-23.

Conditions:
Familial cancer of breast. Also called: Hereditary breast cancer; BREAST CANCER, FAMILIAL; hereditary breast carcinoma. Identifiers: Orphanet 227535, MedGen C0346153, MONDO:0016419, OMIM 114480. Disease mechanism: loss of function.
Ataxia-telangiectasia syndrome (AT). Also called: LOUIS-BAR SYNDROME; Ataxia telangiectasia (A-T); Cerebello-oculocutaneous telangiectasia; Immunodeficiency with ataxia telangiectasia; Ataxia-telangiectasia; Ataxia-telangiectasia, complementation group D. Identifiers: Orphanet 100, MedGen C0004135, MONDO:0008840, OMIM 208900.

Submissions (2):

Myriad Genetics, Inc.
Classification: Benign for Familial cancer of breast. Last evaluated: 2024-04-23. Review status: criteria provided, single submitter. Criteria: Myriad Autosomal Dominant, Autosomal Recessive and X-Linked Classification Criteria (2023). Collection method: clinical testing. Allele origin: unknown.
Comment: This variant is considered benign. This variant is a silent/synonymous amino acid change and it is not expected to impact splicing.

Labcorp Genetics (formerly Invitae), Labcorp
Classification: Likely benign for Ataxia-telangiectasia syndrome. Last evaluated: 2022-07-12. Review status: criteria provided, single submitter. Criteria: Invitae Variant Classification Sherloc (09022015). Collection method: clinical testing. Allele origin: germline.

NM_000051.4(ATM):c.837T>C (p.Ile279=)

Gene: ATM (ATM serine/threonine kinase; plus strand). Cytogenetic location: 11q22.3.
Variant type: single nucleotide variant.
Coding change: c.837T>C on transcript NM_000051.4 (MANE Select); coding-DNA position 837, T replaced by C.
Protein change: p.Ile279=; no amino-acid change (isoleucine 279 retained).
Molecular consequence: synonymous variant.
Genome position (GRCh38, 1-based): chr11:108,244,962, T>C. VCF-style: chr11-108244962-T-C. GRCh37 (hg19) VCF-style: chr11-108115689-T-C.
Other names: c.837T>C, p.Ile279= (NM_001351834.2).
Identifiers: ClinVar variation 1141152 (VCV001141152.10), dbSNP rs2135242369, ClinGen allele CA476744808.
Genomic context (GRCh38, chr11:108,244,962, plus strand): 5'-TCCCACTTTGCTTTATATTTGGACTCAACATAGGCTTAATGATTCTTTAAAAGAAGTCAT[T>C]ATTGAATTATTTCAACTGCAAATTTATATCCATCATCCGAAAGGAGCCAAAACCCAAGAA-3'
Protein context (NP_000042.3, residues 269-289): HRLNDSLKEV[Ile279=]IELFQLQIYI